The following is an entry in ClinVar:

NM_001146334.2(NACAD):c.2682G>A (p.Ser894=)

Gene: NACAD (NAC alpha domain containing; minus strand). Cytogenetic location: 7p13.
Variant type: single nucleotide variant.
Coding change: c.2682G>A on transcript NM_001146334.2 (MANE Select); coding-DNA position 2682, G replaced by A.
Protein change: p.Ser894=; no amino-acid change (serine 894 retained).
Molecular consequence: synonymous variant.
Genome position (GRCh38, 1-based): chr7:45,083,498, C>T on the plus strand (G>A on the coding strand, the complement: NACAD is on the minus strand). VCF-style: chr7-45083498-C-T. GRCh37 (hg19) VCF-style: chr7-45123097-C-T.
Identifiers: ClinVar variation 2657442 (VCV002657442.24), dbSNP rs61740885, ClinGen allele CA4247596.

ClinVar aggregate classification (germline): Likely benign (1 of 4 stars; one submission).

Allele frequency attached by ClinVar (database versions not stated): ExAC 0.00032; 1000 Genomes Project 30x 0.00109.

Submission:

CeGaT Center for Human Genetics Tuebingen
Classification: Likely benign. Last evaluated: 2022-10-01. Review status: criteria provided, single submitter. Criteria: CeGaT Center For Human Genetics Tuebingen Variant Classification Criteria Version 2. Collection method: clinical testing. Allele origin: germline. Affected: yes. Observed: 1 variant allele.
Comment: NACAD: BP4, BP7